The following is an entry in ClinVar:

ClinVar aggregate classification (germline): Conflicting classifications of pathogenicity. Review status: criteria provided, conflicting classifications (1 of 4 stars). 4 submissions from 4 submitters: Pathogenic (1); Uncertain significance (1). 2 of the submissions do not count toward it. Last evaluated 2025-06-01.

Conditions:
DAAM2-related disorder. Also called: DAAM2-related condition.
Nephrotic syndrome, type 24. Identifiers: Orphanet 567548, MedGen C5543267, MONDO:0031008, OMIM 619263.

Allele frequency attached by ClinVar (database versions not stated): gnomAD exomes 0.00009 and 0.00020; 1000 Genomes Project 30x 0.00016; ExAC 0.00017; 1000 Genomes Project 0.00020; ESP Exome Variant Server 0.00039; gnomAD 0.00060 and 0.00062; TOPMed 0.00069.
gnomAD v4.1: 225 of 1,608,240 alleles (0.014%); highest among the groups gnomAD compares: African/African-American, 0.21%; no homozygotes.

Submissions (4):

CeGaT Center for Human Genetics Tuebingen
Classification: Uncertain significance. Last evaluated: 2025-06-01. Review status: criteria provided, single submitter. Criteria: CeGaT Center For Human Genetics Tuebingen Variant Classification Criteria Version 2. Collection method: clinical testing. Allele origin: germline. Affected: yes. Observed: 1 variant allele.
Comment: DAAM2: PM2, PM3:Supporting, PP3, PS3:Supporting

Institute of Human Genetics Munich, TUM University Hospital
Classification: Pathogenic for Nephrotic syndrome, type 24. Last evaluated: 2021-07-29. Review status: criteria provided, single submitter. Criteria: Classification criteria August 2017. Collection method: clinical testing. Allele origin: inherited. Inheritance: Autosomal recessive inheritance. Affected: yes. Observed: 1 variant allele.

PreventionGenetics, part of Exact Sciences
Classification: Uncertain significance for DAAM2-related condition. Last evaluated: 2024-05-14. Review status: no assertion criteria provided. Collection method: clinical testing. Allele origin: germline. Not counted in ClinVar's aggregate classification.
Comment: The DAAM2 c.3083C>T variant is predicted to result in the amino acid substitution p.Ser1028Leu. This variant was reported in the homozygous state in an individual with steroid resistant nephrotic syndrome (SRNS) and the functional study suggested that this variant could cause disease due to actin dysregulation in podocytes (reported as p.Ser1027Leu in Schneider et al. 2020. PubMed ID: 33232676). This variant is reported in 0.23% of alleles in individuals of African descent in gnomAD. At this time, the clinical significance of this variant is uncertain due to the absence of conclusive functional and genetic evidence.

OMIM
Classification: Pathogenic for NEPHROTIC SYNDROME, TYPE 24. Last evaluated: 2021-04-08. Review status: no assertion criteria provided. Collection method: literature only. Allele origin: germline. Not counted in ClinVar's aggregate classification.

Literature cited by the submitters: PubMed 33232676 (cited by Institute of Human Genetics Munich, TUM University Hospital and OMIM).

NM_001201427.2(DAAM2):c.3083C>T (p.Ser1028Leu)

Gene: DAAM2 (dishevelled associated activator of morphogenesis 2; plus strand). Cytogenetic location: 6p21.2.
Variant type: single nucleotide variant.
Coding change: c.3083C>T on transcript NM_001201427.2 (MANE Select); coding-DNA position 3083, C replaced by T.
Protein change: p.Ser1028Leu; replaces serine 1028 with leucine.
Molecular consequence: missense variant.
Genome position (GRCh38, 1-based): chr6:39,901,913, C>T. VCF-style: chr6-39901913-C-T. GRCh37 (hg19) VCF-style: chr6-39869689-C-T.
Other names: c.3083C>T (NM_001201427.1); c.3080C>T, p.Ser1027Leu (NM_015345.4); short protein forms S1027L, S1028L.
Identifiers: ClinVar variation 1054671 (VCV001054671.11), dbSNP rs111950018, ClinGen allele CA3795538.